The following is an entry in ClinVar:

ClinVar aggregate classification (germline): Uncertain significance (1 of 4 stars; one submission).

Conditions:
Xanthinuria type II. Also called: Xanthine dehydrogenase and aldehyde oxidase combined deficiency of; XDH and AOX dual deficiency. Identifiers: Orphanet 3467, Orphanet 93602, MedGen C1863688, MONDO:0011346, OMIM 603592.

Allele frequency attached by ClinVar (database versions not stated): ExAC 0.00001; gnomAD 0.00001; gnomAD exomes 0.00001 and 0.00002; TOPMed 0.00001.
gnomAD v4.1: 31 of 1,614,070 alleles (0.0019%); highest among the groups gnomAD compares: Non-Finnish European, 0.0026%; no homozygotes.

Submission:

Labcorp Genetics (formerly Invitae), Labcorp
Classification: Uncertain significance for Xanthinuria type II. Last evaluated: 2024-02-24. Review status: criteria provided, single submitter. Criteria: Invitae Variant Classification Sherloc (09022015). Collection method: clinical testing. Allele origin: germline.
Comment: This sequence change replaces cysteine, which is neutral and slightly polar, with serine, which is neutral and polar, at codon 935 of the XDH protein (p.Cys935Ser). This variant is present in population databases (rs762800111, gnomAD 0.003%). This variant has not been reported in the literature in individuals affected with XDH-related conditions. ClinVar contains an entry for this variant (Variation ID: 967342). An algorithm developed to predict the effect of missense changes on protein structure and function (PolyPhen-2) suggests that this variant is likely to be tolerated. In summary, the available evidence is currently insufficient to determine the role of this variant in disease. Therefore, it has been classified as a Variant of Uncertain Significance.

NM_000379.4(XDH):c.2804G>C (p.Cys935Ser)

Gene: XDH (xanthine dehydrogenase; minus strand). Cytogenetic location: 2p23.1.
Variant type: single nucleotide variant.
Coding change: c.2804G>C on transcript NM_000379.4 (MANE Select); coding-DNA position 2804, G replaced by C.
Protein change: p.Cys935Ser; replaces cysteine 935 with serine.
Molecular consequence: missense variant.
Genome position (GRCh38, 1-based): chr2:31,350,051, C>G on the plus strand (G>C on the coding strand, the complement: XDH is on the minus strand). VCF-style: chr2-31350051-C-G. GRCh37 (hg19) VCF-style: chr2-31572917-C-G.
Other names: short protein forms C935S.
Identifiers: ClinVar variation 967342 (VCV000967342.7), dbSNP rs762800111, ClinGen allele CA1598680.